The following is an entry in ClinVar:

NM_003579.4(RAD54L):c.11G>T (p.Ser4Ile)

Gene: RAD54L (RAD54 like; plus strand). Cytogenetic location: 1p34.1.
Variant type: single nucleotide variant.
Coding change: c.11G>T on transcript NM_003579.4 (MANE Select); coding-DNA position 11, G replaced by T.
Protein change: p.Ser4Ile; replaces serine 4 with isoleucine.
Molecular consequence: missense variant. On other transcripts: 5 prime UTR variant (1).
Genome position (GRCh38, 1-based): chr1:46,248,519, G>T. VCF-style: chr1-46248519-G-T. GRCh37 (hg19) VCF-style: chr1-46714191-G-T.
Other names: c.11G>T, p.Ser4Ile (NM_001142548.2); c.-530G>T (NM_001370766.1); short protein forms S4I.
Identifiers: ClinVar variation 3223396 (VCV003223396.1), dbSNP rs1310480172, ClinGen allele CA340173834.

ClinVar aggregate classification (germline): Uncertain significance (1 of 4 stars; one submission).

gnomAD v4.1: 1 of 1,614,176 alleles (0.000062%); highest among the groups gnomAD compares: Admixed American, 0.0017%; no homozygotes.

Submission:

Ambry Genetics
Classification: Uncertain significance. Last evaluated: 2024-02-09. Review status: criteria provided, single submitter. Criteria: Ambry Variant Classification Scheme 2023. Collection method: clinical testing. Allele origin: germline.
Comment: The p.S4I variant (also known as c.11G>T), located in coding exon 2 of the RAD54L gene, results from a G to T substitution at nucleotide position 11. The serine at codon 4 is replaced by isoleucine, an amino acid with dissimilar properties. This amino acid position is conserved. In addition, this alteration is predicted to be deleterious by in silico analysis. Based on the available evidence, the clinical significance of this alteration remains unclear.